The following is an entry in ClinVar:

NM_000135.4(FANCA):c.173dup (p.Asn58fs)

Gene: FANCA (FA complementation group A; minus strand). Cytogenetic location: 16q24.3.
Variant type: Duplication.
Coding change: c.173dup on transcript NM_000135.4 (MANE Select); coding-DNA position 173, one base duplicated (A; older notation c.173dupA).
Protein change: p.Asn58fs; shifts the reading frame from asparagine 58.
Molecular consequence: frameshift variant.
Genome position (GRCh38, 1-based): chr16:89,815,893, T duplicated on the plus strand (A on the coding strand, the reverse complement: FANCA is on the minus strand); the first of 2 consecutive T bases (chr16:89,815,893-89,815,894); duplicating either gives the same sequence. VCF-style (leftmost placement, unchanged base first): chr16-89815892-A-AT. GRCh37 (hg19) VCF-style: chr16-89882300-A-AT.
Other names: c.173dup, p.Asn58fs (NM_001018112.3, NM_001286167.3, NM_001351830.2); short protein forms N58fs.
Identifiers: ClinVar variation 974284 (VCV000974284.1), dbSNP rs2041095962, ClinGen allele CA1139664996.

ClinVar aggregate classification (germline): Pathogenic (0 of 4 stars; one submission).

Conditions:
Fanconi anemia complementation group A (FANCA). Also called: Fanconi anemia, group A; FANCA-Related Fanconi Anemia. Identifiers: Orphanet 84, MedGen C3469521, MONDO:0009215, OMIM 227650.

Submission:

Leiden Open Variation Database
Classification: Pathogenic for Fanconi anemia complementation group A. Last evaluated: 2020-02-28. Review status: no assertion criteria provided. Collection method: curation. Allele origin: germline. Affected: yes.
Comment: Curator: Arleen D. Auerbach. Submitter to LOVD: Johan de Winter.

Literature cited by the submitters: PubMed 17924555.